The following is an entry in ClinVar:

ClinVar aggregate classification (germline): Uncertain significance (1 of 4 stars; one submission).

Submission:

Labcorp Genetics (formerly Invitae), Labcorp
Classification: Uncertain significance. Last evaluated: 2024-12-10. Review status: criteria provided, single submitter. Criteria: Invitae Variant Classification Sherloc (09022015). Collection method: clinical testing. Allele origin: germline.
Comment: This sequence change replaces arginine, which is basic and polar, with leucine, which is neutral and non-polar, at codon 49 of the GNB3 protein (p.Arg49Leu). Information on the frequency of this variant in the gnomAD database is not available, as this variant may be reported differently in the database. This variant has not been reported in the literature in individuals affected with GNB3-related conditions. An algorithm developed to predict the effect of missense changes on protein structure and function (PolyPhen-2) suggests that this variant is likely to be disruptive. In summary, the available evidence is currently insufficient to determine the role of this variant in disease. Therefore, it has been classified as a Variant of Uncertain Significance.

NM_002075.4(GNB3):c.146_147delinsTA (p.Arg49Leu)

Gene: GNB3 (G protein subunit beta 3; plus strand). Cytogenetic location: 12p13.31.
Variant type: Indel.
Coding change: c.146_147delinsTA on transcript NM_002075.4 (MANE Select); coding-DNA positions 146 to 147, GG replaced by TA.
Protein change: p.Arg49Leu; replaces arginine 49 with leucine.
Molecular consequence: missense variant.
Genome position (GRCh38, 1-based): chr12:6,843,019-6,843,020, GG replaced by TA. VCF-style: chr12-6843019-GG-TA. GRCh37 (hg19) VCF-style: chr12-6952183-GG-TA.
Other names: c.146_147delinsTA, p.Arg49Leu (NM_001297571.2); short protein forms R49L.
Identifiers: ClinVar variation 3692692 (VCV003692692.2).